The following is an entry in ClinVar:

NM_133497.4(KCNV2):c.539G>A (p.Arg180His)

Gene: KCNV2 (potassium voltage-gated channel modifier subfamily V member 2; plus strand). Cytogenetic location: 9p24.2.
Variant type: single nucleotide variant.
Coding change: c.539G>A on transcript NM_133497.4 (MANE Select); coding-DNA position 539, G replaced by A.
Protein change: p.Arg180His; replaces arginine 180 with histidine.
Molecular consequence: missense variant.
Genome position (GRCh38, 1-based): chr9:2,718,278, G>A. VCF-style: chr9-2718278-G-A. GRCh37 (hg19) VCF-style: chr9-2718278-G-A.
Other names: c.539G>A (NM_133497.3); short protein forms R180H.
Identifiers: ClinVar variation 1394480 (VCV001394480.7), dbSNP rs750918937, ClinGen allele CA4965495.

ClinVar aggregate classification (germline): Uncertain significance. Review status: criteria provided, multiple submitters, no conflicts (2 of 4 stars). 2 submissions from 2 submitters: Uncertain significance (2). Last evaluated 2025-02-06.

Conditions:
Inborn genetic diseases. Identifiers: MedGen C0950123, MeSH D030342.

Allele frequency attached by ClinVar (database versions not stated): gnomAD exomes 0.00001 and 0.00003; ExAC 0.00005; gnomAD 0.00005 and 0.00006.
gnomAD v4.1: 17 of 1,611,488 alleles (0.0011%); highest among the groups gnomAD compares: African/African-American, 0.015%; no homozygotes.

Submissions (2):

Labcorp Genetics (formerly Invitae), Labcorp
Classification: Uncertain significance. Last evaluated: 2025-02-06. Review status: criteria provided, single submitter. Criteria: Invitae Variant Classification Sherloc (09022015). Collection method: clinical testing. Allele origin: germline.
Comment: This sequence change replaces arginine, which is basic and polar, with histidine, which is basic and polar, at codon 180 of the KCNV2 protein (p.Arg180His). The frequency data for this variant in the population databases is considered unreliable, as metrics indicate poor data quality at this position in the gnomAD database. This variant has not been reported in the literature in individuals affected with KCNV2-related conditions. ClinVar contains an entry for this variant (Variation ID: 1394480). Invitae Evidence Modeling of protein sequence and biophysical properties (such as structural, functional, and spatial information, amino acid conservation, physicochemical variation, residue mobility, and thermodynamic stability) indicates that this missense variant is not expected to disrupt KCNV2 protein function with a negative predictive value of 95%. In summary, the available evidence is currently insufficient to determine the role of this variant in disease. Therefore, it has been classified as a Variant of Uncertain Significance.

Ambry Genetics
Classification: Uncertain significance for Inborn genetic diseases. Last evaluated: 2024-08-27. Review status: criteria provided, single submitter. Criteria: Ambry Variant Classification Scheme 2023. Collection method: clinical testing. Allele origin: germline.